The following is an entry in ClinVar:

ClinVar aggregate classification (germline): Uncertain significance. Review status: criteria provided, single submitter (1 of 4 stars). 2 submissions from 2 submitters: Uncertain significance (1). 1 of the submissions does not count toward it. Last evaluated 2021-08-24.

Conditions:
Cystic fibrosis (CF). Also called: MUCOVISCIDOSIS. Identifiers: Orphanet 586, MedGen C0010674, MONDO:0009061, OMIM 219700. Disease mechanism: loss of function.
CFTR-related disorder (CFTR-RD). Also called: CFTR-related disorders; CFTR-related condition. Identifiers: MedGen C5924204, MONDO:7770004.

gnomAD v4.1: 1 of 1,613,950 alleles (0.000062%); highest among the groups gnomAD compares: Admixed American, 0.0017%; no homozygotes.

Submissions (2):

Labcorp Genetics (formerly Invitae), Labcorp
Classification: Uncertain significance for Cystic fibrosis. Last evaluated: 2021-08-24. Review status: criteria provided, single submitter. Criteria: Invitae Variant Classification Sherloc (09022015). Collection method: clinical testing. Allele origin: germline.
Comment: This sequence change replaces glycine with aspartic acid at codon 1343 of the CFTR protein (p.Gly1343Asp). The glycine residue is highly conserved and there is a moderate physicochemical difference between glycine and aspartic acid. This variant is present in population databases (rs773458471, ExAC 0.009%). This variant has not been reported in the literature in individuals affected with CFTR-related conditions. Algorithms developed to predict the effect of missense changes on protein structure and function (SIFT, PolyPhen-2, Align-GVGD) all suggest that this variant is likely to be disruptive. In summary, the available evidence is currently insufficient to determine the role of this variant in disease. Therefore, it has been classified as a Variant of Uncertain Significance.

Natera, Inc.
Classification: Uncertain significance for CFTR-related disorders. Last evaluated: 2018-12-11. Review status: no assertion criteria provided. Collection method: clinical testing. Allele origin: germline. Not counted in ClinVar's aggregate classification.

NM_000492.4(CFTR):c.4028G>A (p.Gly1343Asp)

Gene: CFTR (CF transmembrane conductance regulator; plus strand). Cytogenetic location: 7q31.2.
Variant type: single nucleotide variant.
Coding change: c.4028G>A on transcript NM_000492.4 (MANE Select); coding-DNA position 4028, G replaced by A.
Protein change: p.Gly1343Asp; replaces glycine 1343 with aspartic acid.
Molecular consequence: missense variant.
Genome position (GRCh38, 1-based): chr7:117,664,752, G>A. VCF-style: chr7-117664752-G-A. GRCh37 (hg19) VCF-style: chr7-117304806-G-A.
Other names: short protein forms G1343D.
Identifiers: ClinVar variation 1018890 (VCV001018890.7), dbSNP rs773458471, ClinGen allele CA4451611.